The following is an entry in ClinVar:

NM_001370658.1(BTD):c.1270G>A (p.Asp424Asn)

Gene: BTD (biotinidase; plus strand). Cytogenetic location: 3p25.1.
Variant type: single nucleotide variant.
Coding change: c.1270G>A on transcript NM_001370658.1 (MANE Select); coding-DNA position 1270, G replaced by A.
Protein change: p.Asp424Asn; replaces aspartic acid 424 with asparagine.
Molecular consequence: missense variant. On other transcripts: intron variant (8).
Genome position (GRCh38, 1-based): chr3:15,645,186, G>A. VCF-style: chr3-15645186-G-A. GRCh37 (hg19) VCF-style: chr3-15686693-G-A.
Other names: c.1270G>A, p.Asp424Asn (NM_001281723.4, NM_001281724.3, NM_001281725.3 and 16 more transcripts); c.1015+255G>A (NM_001370752.1, NM_001407379.1); c.399+3129G>A (NM_001370753.1, NM_001407400.1, NM_001407401.1 and 3 more transcripts); short protein forms D424N.
Identifiers: ClinVar variation 4535528 (VCV004535528.1).

ClinVar aggregate classification (germline): Uncertain significance (1 of 4 stars; one submission).

Submission:

Women's Health and Genetics/Laboratory Corporation of America, LabCorp
Classification: Uncertain significance. Last evaluated: 2025-09-15. Review status: criteria provided, single submitter. Criteria: LabCorp Variant Classification Summary - May 2015. Collection method: clinical testing. Allele origin: germline.
Comment: Variant summary: BTD c.1270G>A (p.Asp424Asn) results in a conservative amino acid change in the encoded protein sequence. Algorithms developed to predict the effect of missense changes on protein structure and function are either unavailable or do not agree on the potential impact of this missense change. The variant was absent in 251430 control chromosomes. To our knowledge, no occurrence of c.1270G>A in individuals affected with BTD-related conditions and no experimental evidence demonstrating its impact on protein function have been reported. Two different variants affecting the same codon has been classified as likely pathogenic/pathogenic (c.1270G>C, p.Asp424His; c.1270G>T, p.Asp424Tyr), supporting the critical relevance of codon 424 to BTD protein function. No submitters have cited clinical-significance assessments for this variant to ClinVar. Based on the evidence outlined above, the variant was classified as VUS-possibly pathogenic.